The following is an entry in ClinVar:

NM_000387.6(SLC25A20):c.843+4A>G

Gene: SLC25A20 (solute carrier family 25 member 20; minus strand). Cytogenetic location: 3p21.31.
Variant type: single nucleotide variant.
Coding change: c.843+4A>G on transcript NM_000387.6 (MANE Select); 4 bases into the intron after coding-DNA position 843, A replaced by G.
Molecular consequence: intron variant.
Genome position (GRCh38, 1-based): chr3:48,858,503, T>C on the plus strand (A>G on the coding strand, the complement: SLC25A20 is on the minus strand). VCF-style: chr3-48858503-T-C. GRCh37 (hg19) VCF-style: chr3-48895936-T-C.
Identifiers: ClinVar variation 1484944 (VCV001484944.6), dbSNP rs2083597693, ClinGen allele CA1047696961.
Genomic context (GRCh38, chr3:48,858,503, plus strand): 5'-AGTCAAACCACATGCACCCTGCCCTGAGCCCCAGAGGGAAAGCACAGCCCTGCCAGCTAC[T>C]CACCGCATTGGCTGGGAAGGCTCGGATCATCACTGCATTGAACCCTTTGTACAAGGATGT-3'

ClinVar aggregate classification (germline): Uncertain significance (1 of 4 stars; one submission).

Conditions:
Carnitine acylcarnitine translocase deficiency (CACTD). Identifiers: Orphanet 159, MedGen C0342791, MONDO:0008918, OMIM 212138.

Allele frequency attached by ClinVar (database versions not stated): TOPMed below 0.00001; gnomAD 0.00001; gnomAD exomes below 0.00001.
gnomAD v4.1: 3 of 1,614,076 alleles (0.00019%); highest among the groups gnomAD compares: Non-Finnish European, 0.00025%; no homozygotes.

Submission:

Labcorp Genetics (formerly Invitae), Labcorp
Classification: Uncertain significance for Carnitine acylcarnitine translocase deficiency. Last evaluated: 2021-05-31. Review status: criteria provided, single submitter. Criteria: Invitae Variant Classification Sherloc (09022015). Collection method: clinical testing. Allele origin: germline.
Comment: This sequence change falls in intron 8 of the SLC25A20 gene. It does not directly change the encoded amino acid sequence of the SLC25A20 protein. It affects a nucleotide within the consensus splice site of the intron. This variant is not present in population databases (ExAC no frequency). This variant has not been reported in the literature in individuals with SLC25A20-related conditions. Nucleotide substitutions within the consensus splice site are a relatively common cause of aberrant splicing (PMID: 17576681, 9536098). Algorithms developed to predict the effect of sequence changes on RNA splicing suggest that this variant may disrupt the consensus splice site, but this prediction has not been confirmed by published transcriptional studies. In summary, the available evidence is currently insufficient to determine the role of this variant in disease. Therefore, it has been classified as a Variant of Uncertain Significance.

Literature cited by the submitters: PubMed 17576681; PubMed 9536098.